The following is an entry in ClinVar:

ClinVar aggregate classification (germline): Uncertain significance (1 of 4 stars; one submission).

Submission:

Ambry Genetics
Classification: Uncertain significance. Last evaluated: 2022-09-28. Review status: criteria provided, single submitter. Criteria: Ambry Variant Classification Scheme 2023. Collection method: clinical testing. Allele origin: germline.
Comment: The p.P1666L variant (also known as c.4997C>T), located in coding exon 4 of the ALPK2 gene, results from a C to T substitution at nucleotide position 4997. The proline at codon 1666 is replaced by leucine, an amino acid with similar properties. This amino acid position is conserved. In addition, this alteration is predicted to be tolerated by in silico analysis. Since supporting evidence is limited at this time, the clinical significance of this alteration remains unclear.

NM_052947.4(ALPK2):c.4997C>T (p.Pro1666Leu)

Genes: ALPK2 (alpha kinase 2; minus strand), LOC130062577 (ATAC-STARR-seq lymphoblastoid active region 13389; plus strand). Cytogenetic location: 18q21.31.
Variant type: single nucleotide variant.
Coding change: c.4997C>T on transcript NM_052947.4 (MANE Select); coding-DNA position 4997, C replaced by T.
Protein change: p.Pro1666Leu; replaces proline 1666 with leucine.
Molecular consequence: missense variant.
Genome position (GRCh38, 1-based): chr18:58,535,190, G>A on the plus strand (C>T on the coding strand, the complement: ALPK2 is on the minus strand). VCF-style: chr18-58535190-G-A. GRCh37 (hg19) VCF-style: chr18-56202422-G-A.
Other names: short protein forms P1666L.
Identifiers: ClinVar variation 1744621 (VCV001744621.2), dbSNP rs2518873686, ClinGen allele CA402558993.